The following is an entry in ClinVar:

ClinVar aggregate classification (germline): Uncertain significance. Review status: criteria provided, multiple submitters, no conflicts (2 of 4 stars). 2 submissions from 2 submitters: Uncertain significance (2). Last evaluated 2022-06-30.

Conditions:
3M syndrome 1. Also called: 3-M Syndrome, CUL7-Related. Identifiers: Orphanet 2616, MedGen C2678312, MONDO:0010117, OMIM 273750.

Allele frequency attached by ClinVar (database versions not stated): ExAC 0.00002; gnomAD 0.00004; gnomAD exomes 0.00004 and 0.00006; TOPMed 0.00004; 1000 Genomes Project 30x 0.00016; 1000 Genomes Project 0.00020.
gnomAD v4.1: 92 of 1,612,184 alleles (0.0057%); highest among the groups gnomAD compares: Non-Finnish European, 0.0073%; no homozygotes.

Submissions (2):

Labcorp Genetics (formerly Invitae), Labcorp
Classification: Uncertain significance. Last evaluated: 2022-06-30. Review status: criteria provided, single submitter. Criteria: Invitae Variant Classification Sherloc (09022015). Collection method: clinical testing. Allele origin: germline.
Comment: In summary, the available evidence is currently insufficient to determine the role of this variant in disease. Therefore, it has been classified as a Variant of Uncertain Significance. Algorithms developed to predict the effect of missense changes on protein structure and function are either unavailable or do not agree on the potential impact of this missense change (SIFT: "Deleterious"; PolyPhen-2: "Possibly Damaging"; Align-GVGD: "Class C0"). ClinVar contains an entry for this variant (Variation ID: 1025751). This variant has not been reported in the literature in individuals affected with CUL7-related conditions. This variant is present in population databases (rs537793662, gnomAD 0.006%). This sequence change replaces arginine, which is basic and polar, with cysteine, which is neutral and slightly polar, at codon 734 of the CUL7 protein (p.Arg734Cys).

Baylor Genetics
Classification: Uncertain significance for 3M syndrome 1. Last evaluated: 2018-12-19. Review status: criteria provided, single submitter. Criteria: ACMG Guidelines, 2015. Collection method: clinical testing. Allele origin: paternal. Affected: yes.
Comment: This variant was determined to be of uncertain significance according to ACMG Guidelines, 2015 [PMID:25741868].

NM_014780.5(CUL7):c.2200C>T (p.Arg734Cys)

Gene: CUL7 (cullin 7; minus strand). Cytogenetic location: 6p21.1.
Variant type: single nucleotide variant.
Coding change: c.2200C>T on transcript NM_014780.5 (MANE Select); coding-DNA position 2200, C replaced by T.
Protein change: p.Arg734Cys; replaces arginine 734 with cysteine.
Molecular consequence: missense variant.
Genome position (GRCh38, 1-based): chr6:43,047,077, G>A on the plus strand (C>T on the coding strand, the complement: CUL7 is on the minus strand). VCF-style: chr6-43047077-G-A. GRCh37 (hg19) VCF-style: chr6-43014815-G-A.
Other names: c.2296C>T, p.Arg766Cys (NM_001168370.2, NM_001374872.1); c.2200C>T, p.Arg734Cys (NM_001374873.1, NM_001374874.1); short protein forms R734C, R766C.
Identifiers: ClinVar variation 1025751 (VCV001025751.8), dbSNP rs537793662, ClinGen allele CA3813950.
Genomic context (GRCh38, chr6:43,047,077, plus strand): 5'-CGTCTCTTGCTCCCAGCTGATTCAGCACCACGGCATAGTCCCTGCTCACTGAGGTCAGGC[G>A]GTGCAGGAAGAAAATCAGTTCCTGGAGCACCTGGGTGGGGACATAAGGGAGGAGATGAAT-3'
Protein context (NP_055595.2, residues 724-744): VLQELIFFLH[Arg734Cys]LTSVSRDYAV